The following is an entry in ClinVar:

ClinVar aggregate classification (germline): Uncertain significance (1 of 4 stars; one submission).

Allele frequency attached by ClinVar (database versions not stated): gnomAD 0.00002.

Submission:

Labcorp Genetics (formerly Invitae), Labcorp
Classification: Uncertain significance. Last evaluated: 2022-11-22. Review status: criteria provided, single submitter. Criteria: Invitae Variant Classification Sherloc (09022015). Collection method: clinical testing. Allele origin: germline.
Comment: In summary, the available evidence is currently insufficient to determine the role of this variant in disease. Therefore, it has been classified as a Variant of Uncertain Significance. Algorithms developed to predict the effect of missense changes on protein structure and function output the following: SIFT: "Deleterious"; PolyPhen-2: "Benign"; Align-GVGD: "Class C0". The glutamine amino acid residue is found in multiple mammalian species, which suggests that this missense change does not adversely affect protein function. ClinVar contains an entry for this variant (Variation ID: 1462411). This variant has not been reported in the literature in individuals affected with ABHD12-related conditions. This variant is present in population databases (no rsID available, gnomAD 0.01%). This sequence change replaces proline, which is neutral and non-polar, with glutamine, which is neutral and polar, at codon 50 of the ABHD12 protein (p.Pro50Gln).

NM_001042472.3(ABHD12):c.149C>A (p.Pro50Gln)

Genes: ABHD12 (abhydrolase domain containing 12, lysophospholipase; minus strand), LOC130065586 (ATAC-STARR-seq lymphoblastoid silent region 12752; plus strand). Cytogenetic location: 20p11.21.
Variant type: single nucleotide variant.
Coding change: c.149C>A on transcript NM_001042472.3 (MANE Select); coding-DNA position 149, C replaced by A.
Protein change: p.Pro50Gln; replaces proline 50 with glutamine.
Molecular consequence: missense variant.
Genome position (GRCh38, 1-based): chr20:25,390,555, G>T on the plus strand (C>A on the coding strand, the complement: ABHD12 is on the minus strand). VCF-style: chr20-25390555-G-T. GRCh37 (hg19) VCF-style: chr20-25371191-G-T.
Other names: c.149C>A, p.Pro50Gln (NM_015600.5); short protein forms P50Q.
Identifiers: ClinVar variation 1462411 (VCV001462411.7), dbSNP rs765002284, ClinGen allele CA313685984.
Genomic context (GRCh38, chr20:25,390,555, plus strand): 5'-CTCCGCGCGAAGCCTCACCTGCCCAGCGCCCGCTTCATTCCCGCGTCGGCTGCGCAGCGC[G>T]GCTCAGCCGCCGCCGGGCCCGTCAGGCGTAGGTTCTGCTTCAGGCGGCAGTCGGCGTCCA-3'
Protein context (NP_001035937.1, residues 40-60): LRLTGPAAAE[Pro50Gln]RCAADAGMKR